The following is an entry in ClinVar:

NM_004371.4(COPA):c.496+15T>G

Gene: COPA (coat protein complex I subunit alpha; minus strand). Cytogenetic location: 1q23.2.
Variant type: single nucleotide variant.
Coding change: c.496+15T>G on transcript NM_004371.4 (MANE Select); 15 bases into the intron after coding-DNA position 496, T replaced by G.
Molecular consequence: intron variant.
Genome position (GRCh38, 1-based): chr1:160,332,433, A>C on the plus strand (T>G on the coding strand, the complement: COPA is on the minus strand). VCF-style: chr1-160332433-A-C. GRCh37 (hg19) VCF-style: chr1-160302223-A-C.
Other names: c.496+15T>G (NM_001098398.2).
Identifiers: ClinVar variation 2793936 (VCV002793936.3), dbSNP rs2525455805, ClinGen allele CA2739275353.

ClinVar aggregate classification (germline): Uncertain significance (1 of 4 stars; one submission).

Conditions:
Autoimmune interstitial lung disease-arthritis syndrome. Also called: Autoinflammation and autoimmunity, systemic, with immune dysregulation. Identifiers: Orphanet 444092, MedGen C5975714, MONDO:0014629.

Submission:

Labcorp Genetics (formerly Invitae), Labcorp
Classification: Uncertain significance for Autoimmune interstitial lung disease-arthritis syndrome. Last evaluated: 2023-09-17. Review status: criteria provided, single submitter. Criteria: Invitae Variant Classification Sherloc (09022015). Collection method: clinical testing. Allele origin: germline.
Comment: This sequence change falls in intron 6 of the COPA gene. It does not directly change the encoded amino acid sequence of the COPA protein. This variant is not present in population databases (gnomAD no frequency). This variant has not been reported in the literature in individuals affected with COPA-related conditions. Algorithms developed to predict the effect of sequence changes on RNA splicing suggest that this variant may create or strengthen a splice site. In summary, the available evidence is currently insufficient to determine the role of this variant in disease. Therefore, it has been classified as a Variant of Uncertain Significance.